The following is an entry in ClinVar:

NM_173086.5(KRT6C):c.684C>T (p.Ile228=)

Gene: KRT6C (keratin 6C; minus strand). Cytogenetic location: 12q13.13.
Variant type: single nucleotide variant.
Coding change: c.684C>T on transcript NM_173086.5 (MANE Select); coding-DNA position 684, C replaced by T.
Protein change: p.Ile228=; no amino-acid change (isoleucine 228 retained).
Molecular consequence: synonymous variant.
Genome position (GRCh38, 1-based): chr12:52,472,137, G>A on the plus strand (C>T on the coding strand, the complement: KRT6C is on the minus strand). VCF-style: chr12-52472137-G-A. GRCh37 (hg19) VCF-style: chr12-52865921-G-A.
Identifiers: ClinVar variation 3777959 (VCV003777959.7).

ClinVar aggregate classification (germline): Likely benign (1 of 4 stars; one submission).

Submission:

CeGaT Center for Human Genetics Tuebingen
Classification: Likely benign. Last evaluated: 2025-03-01. Review status: criteria provided, single submitter. Criteria: CeGaT Center For Human Genetics Tuebingen Variant Classification Criteria Version 2. Collection method: clinical testing. Allele origin: germline. Affected: yes. Observed: 1 variant allele.
Comment: KRT6C: BP4, BP7